The following is an entry in ClinVar:

ClinVar aggregate classification (germline): Likely benign (1 of 4 stars; one submission).

Allele frequency attached by ClinVar (database versions not stated): gnomAD exomes below 0.00001.
gnomAD v4.1: 1 of 1,614,200 alleles (0.000062%); highest among the groups gnomAD compares: Admixed American, 0.0017%; no homozygotes.

Submission:

CeGaT Center for Human Genetics Tuebingen
Classification: Likely benign. Last evaluated: 2022-06-01. Review status: criteria provided, single submitter. Criteria: CeGaT Center For Human Genetics Tuebingen Variant Classification Criteria Version 2. Collection method: clinical testing. Allele origin: germline. Affected: yes. Observed: 1 variant allele.
Comment: TBC1D26: BP4, BP7

NM_001388465.1(TBC1D26):c.267G>A (p.Arg89=)

Genes: TBC1D26 (TBC1 domain family member 26; plus strand), TBC1D26-AS1 (TBC1D26 antisense RNA 1; minus strand), ZNF286A-TBC1D26 (ZNF286A-TBC1D26 readthrough (NMD candidate); plus strand). Cytogenetic location: 17p12.
Variant type: single nucleotide variant.
Coding change: c.267G>A on transcript NM_001388465.1 (MANE Select); coding-DNA position 267, G replaced by A.
Protein change: p.Arg89=; no amino-acid change (arginine 89 retained).
Molecular consequence: synonymous variant. On other transcripts: non-coding transcript variant (1).
Genome position (GRCh38, 1-based): chr17:15,738,065, G>A. VCF-style: chr17-15738065-G-A. GRCh37 (hg19) VCF-style: chr17-15641379-G-A.
Other names: c.267G>A, p.Arg89= (NM_178571.4).
Identifiers: ClinVar variation 2647501 (VCV002647501.24), dbSNP rs1317681173, ClinGen allele CA498034956.